The following is an entry in ClinVar:

NM_001039141.3(TRIOBP):c.203C>T (p.Thr68Ile)

Gene: TRIOBP (TRIO and F-actin binding protein; plus strand). Cytogenetic location: 22q13.1.
Variant type: single nucleotide variant.
Coding change: c.203C>T on transcript NM_001039141.3 (MANE Select); coding-DNA position 203, C replaced by T.
Protein change: p.Thr68Ile; replaces threonine 68 with isoleucine.
Molecular consequence: missense variant.
Genome position (GRCh38, 1-based): chr22:37,710,515, C>T. VCF-style: chr22-37710515-C-T. GRCh37 (hg19) VCF-style: chr22-38106522-C-T.
Other names: short protein forms T68I.
Identifiers: ClinVar variation 1923790 (VCV001923790.5), dbSNP rs776107623, ClinGen allele CA10223278.

ClinVar aggregate classification (germline): Uncertain significance (1 of 4 stars; one submission).

Allele frequency attached by ClinVar (database versions not stated): ExAC 0.00001; gnomAD exomes 0.00001.
gnomAD v4.1: 13 of 1,612,132 alleles (0.00081%); highest among the groups gnomAD compares: African/African-American, 0.0027%; no homozygotes.

Submission:

Labcorp Genetics (formerly Invitae), Labcorp
Classification: Uncertain significance. Last evaluated: 2022-10-13. Review status: criteria provided, single submitter. Criteria: Invitae Variant Classification Sherloc (09022015). Collection method: clinical testing. Allele origin: germline.
Comment: This variant has not been reported in the literature in individuals affected with TRIOBP-related conditions. Algorithms developed to predict the effect of missense changes on protein structure and function are either unavailable or do not agree on the potential impact of this missense change (SIFT: "Deleterious"; PolyPhen-2: "Possibly Damaging"; Align-GVGD: "Class C0"). In summary, the available evidence is currently insufficient to determine the role of this variant in disease. Therefore, it has been classified as a Variant of Uncertain Significance. This variant is present in population databases (rs776107623, gnomAD 0.0009%). This sequence change replaces threonine, which is neutral and polar, with isoleucine, which is neutral and non-polar, at codon 68 of the TRIOBP protein (p.Thr68Ile).